The following is an entry in ClinVar:

NM_013450.4(BAZ2B):c.2476T>C (p.Trp826Arg)

Gene: BAZ2B (bromodomain adjacent to zinc finger domain 2B; minus strand). Cytogenetic location: 2q24.2.
Variant type: single nucleotide variant.
Coding change: c.2476T>C on transcript NM_013450.4 (MANE Select); coding-DNA position 2476, T replaced by C.
Protein change: p.Trp826Arg; replaces tryptophan 826 with arginine.
Molecular consequence: missense variant.
Genome position (GRCh38, 1-based): chr2:159,412,536, A>G on the plus strand (T>C on the coding strand, the complement: BAZ2B is on the minus strand). VCF-style: chr2-159412536-A-G. GRCh37 (hg19) VCF-style: chr2-160269047-A-G.
Other names: c.2368T>C, p.Trp790Arg (NM_001289975.1); c.2287T>C, p.Trp763Arg (NM_001329857.2); c.2374T>C, p.Trp792Arg (NM_001329858.2); c.2476T>C (NM_013450.3); short protein forms W790R, W792R, W826R, W763R.
Identifiers: ClinVar variation 2232073 (VCV002232073.3), dbSNP rs1395448435, ClinGen allele CA348936242.

ClinVar aggregate classification (germline): Uncertain significance. Review status: criteria provided, multiple submitters, no conflicts (2 of 4 stars). 2 submissions from 2 submitters: Uncertain significance (2). Last evaluated 2024-10-08.

Conditions:
Inborn genetic diseases. Identifiers: MedGen C0950123, MeSH D030342.

Allele frequency attached by ClinVar (database versions not stated): TOPMed below 0.00001; gnomAD 0.00001; gnomAD exomes 0.00001.
gnomAD v4.1: 8 of 1,612,890 alleles (0.0005%); highest among the groups gnomAD compares: Non-Finnish European, 0.00068%; no homozygotes.

Submissions (2):

GeneDx
Classification: Uncertain significance. Last evaluated: 2024-10-08. Review status: criteria provided, single submitter. Criteria: GeneDx Variant Classification Process June 2021. Collection method: clinical testing. Allele origin: germline. Affected: yes.
Comment: In silico analysis supports that this missense variant has a deleterious effect on protein structure/function; Has not been previously published as pathogenic or benign to our knowledge

Ambry Genetics
Classification: Uncertain significance for Inborn genetic diseases. Last evaluated: 2021-06-15. Review status: criteria provided, single submitter. Criteria: Ambry Variant Classification Scheme 2023. Collection method: clinical testing. Allele origin: germline.